The following is an entry in ClinVar:

ClinVar aggregate classification (germline): Benign (1 of 4 stars; one submission).

Allele frequency attached by ClinVar (database versions not stated): ExAC 0.00028; 1000 Genomes Project 0.00040; ESP Exome Variant Server 0.00077; gnomAD 0.00086; TOPMed 0.00097; 1000 Genomes Project 30x 0.00125.
gnomAD v4.1: 262 of 1,599,572 alleles (0.016%); highest among the groups gnomAD compares: African/African-American, 0.28%; 2 homozygotes.

Submission:

Women's Health and Genetics/Laboratory Corporation of America, LabCorp
Classification: Benign. Last evaluated: 2023-11-21. Review status: criteria provided, single submitter. Criteria: LabCorp Variant Classification Summary - May 2015. Collection method: clinical testing. Allele origin: germline.
Comment: Variant summary: SGCA c.747+21C>T is located at a position not widely known to affect splicing. Consensus agreement among computation tools predict no significant impact on normal splicing. However, these predictions have yet to be confirmed by functional studies. The variant allele was found at a frequency of 0.00022 in 242684 control chromosomes, predominantly at a frequency of 0.0026 within the African or African-American subpopulation in the gnomAD database. The observed variant frequency within African or African-American control individuals in the gnomAD database is approximately 1.27 fold of the estimated maximal expected allele frequency for a pathogenic variant in SGCA causing Limb-Girdle Muscular Dystrophy, Autosomal Recessive phenotype (0.002), strongly suggesting that the variant is a benign polymorphism found primarily in populations of African or African-American origin. To our knowledge, no occurrence of c.747+21C>T in individuals affected with Limb-Girdle Muscular Dystrophy, Autosomal Recessive and no experimental evidence demonstrating its impact on protein function have been reported. No submitters have cited clinical-significance assessments for this variant to ClinVar after 2014. Based on the evidence outlined above, the variant was classified as benign.

NM_000023.4(SGCA):c.747+21C>T

Gene: SGCA (sarcoglycan alpha; plus strand). Cytogenetic location: 17q21.33.
Variant type: single nucleotide variant.
Coding change: c.747+21C>T on transcript NM_000023.4 (MANE Select); 21 bases into the intron after coding-DNA position 747, C replaced by T.
Molecular consequence: intron variant.
Genome position (GRCh38, 1-based): chr17:50,169,275, C>T. VCF-style: chr17-50169275-C-T. GRCh37 (hg19) VCF-style: chr17-48246636-C-T.
Other names: c.584+703C>T (NM_001135697.3).
Identifiers: ClinVar variation 2682200 (VCV002682200.1), dbSNP rs73334795, ClinGen allele CA8643874.